The following is an entry in ClinVar:

NM_019032.6(ADAMTSL4):c.557T>G (p.Ile186Ser)

Genes: ADAMTSL4 (ADAMTS like 4; plus strand), ADAMTSL4-AS2 (ADAMTSL4 antisense RNA 2; minus strand). Cytogenetic location: 1q21.2.
Variant type: single nucleotide variant.
Coding change: c.557T>G on transcript NM_019032.6 (MANE Select); coding-DNA position 557, T replaced by G.
Protein change: p.Ile186Ser; replaces isoleucine 186 with serine.
Molecular consequence: missense variant.
Genome position (GRCh38, 1-based): chr1:150,553,548, T>G. VCF-style: chr1-150553548-T-G. GRCh37 (hg19) VCF-style: chr1-150526024-T-G.
Other names: c.557T>G, p.Ile186Ser (NM_001288607.2, NM_001288608.2, NM_001378596.1 and 1 more transcripts); c.557T>G (NM_019032.4); short protein forms I186S.
Identifiers: ClinVar variation 3615788 (VCV003615788.3).
Genomic context (GRCh38, chr1:150,553,548, plus strand): 5'-TGCCACTGCACCGGAACCGCAGGCACCCTCGGAGCCCACCCAGATCTGAGCTGTCCCTGA[T>G]CTCTTCTAGAGGGGAAGAGGCTATTCCGTCCCCTACTCCAAGAGCAGAGCCATTCTCCGC-3'
Protein context (NP_061905.2, residues 176-196): RSPPRSELSL[Ile186Ser]SSRGEEAIPS

ClinVar aggregate classification (germline): Uncertain significance. Review status: criteria provided, multiple submitters, no conflicts (2 of 4 stars). 2 submissions from 2 submitters: Uncertain significance (2). Last evaluated 2025-05-26.

Conditions:
Inborn genetic diseases. Identifiers: MedGen C0950123, MeSH D030342.

gnomAD v4.1: 8 of 1,613,684 alleles (0.0005%); highest among the groups gnomAD compares: Non-Finnish European, 0.00059%; no homozygotes.

Submissions (2):

Ambry Genetics
Classification: Uncertain significance for Inborn genetic diseases. Last evaluated: 2025-05-26. Review status: criteria provided, single submitter. Criteria: Ambry Variant Classification Scheme 2023. Collection method: clinical testing. Allele origin: germline.

Labcorp Genetics (formerly Invitae), Labcorp
Classification: Uncertain significance. Last evaluated: 2024-07-01. Review status: criteria provided, single submitter. Criteria: Invitae Variant Classification Sherloc (09022015). Collection method: clinical testing. Allele origin: germline.
Comment: This sequence change replaces isoleucine, which is neutral and non-polar, with serine, which is neutral and polar, at codon 186 of the ADAMTSL4 protein (p.Ile186Ser). This variant is present in population databases (rs777763049, gnomAD no frequency). This variant has not been reported in the literature in individuals affected with ADAMTSL4-related conditions. Advanced modeling of protein sequence and biophysical properties (such as structural, functional, and spatial information, amino acid conservation, physicochemical variation, residue mobility, and thermodynamic stability) performed at Invitae indicates that this missense variant is not expected to disrupt ADAMTSL4 protein function with a negative predictive value of 80%. In summary, the available evidence is currently insufficient to determine the role of this variant in disease. Therefore, it has been classified as a Variant of Uncertain Significance.